The following is an entry in ClinVar:

NM_022124.6(CDH23):c.2128A>G (p.Ile710Val)

Gene: CDH23 (cadherin related 23; plus strand). Cytogenetic location: 10q22.1.
Variant type: single nucleotide variant.
Coding change: c.2128A>G on transcript NM_022124.6 (MANE Select); coding-DNA position 2128, A replaced by G.
Protein change: p.Ile710Val; replaces isoleucine 710 with valine.
Molecular consequence: missense variant.
Genome position (GRCh38, 1-based): chr10:71,690,536, A>G. VCF-style: chr10-71690536-A-G. GRCh37 (hg19) VCF-style: chr10-73450293-A-G.
Other names: c.2128A>G (NM_022124.5); c.2128A>G, p.Ile710Val (NM_001171930.2, NM_001171931.2); short protein forms I710V.
Identifiers: ClinVar variation 993969 (VCV000993969.17), dbSNP rs367750869, ClinGen allele CA5544099.

ClinVar aggregate classification (germline): Conflicting classifications of pathogenicity. Review status: criteria provided, conflicting classifications (1 of 4 stars). 6 submissions from 6 submitters: Uncertain significance (4); Likely benign (1). 1 of the submissions does not count toward it. Last evaluated 2026-06-11.

Conditions:
Inborn genetic diseases. Identifiers: MedGen C0950123, MeSH D030342.
CDH23-related disorder. Also called: CDH23-related disorders; CDH23-related condition.
Usher syndrome type 1 (USH1). Also called: RETINITIS PIGMENTOSA AND CONGENITAL DEAFNESS. Identifiers: Orphanet 231169, Orphanet 886, MedGen C1568247, MONDO:0010168, OMIM 276900.

Allele frequency attached by ClinVar (database versions not stated): gnomAD exomes 0.00003 and 0.00006; ExAC 0.00005; TOPMed 0.00034; gnomAD 0.00035 and 0.00040; ESP Exome Variant Server 0.00049.
gnomAD v4.1: 93 of 1,610,886 alleles (0.0058%); highest among the groups gnomAD compares: African/African-American, 0.12%; no homozygotes.

Submissions (6):

PreventionGenetics, part of Exact Sciences
Classification: Uncertain significance for CDH23-related condition. Last evaluated: 2026-06-11. Review status: criteria provided, single submitter. Criteria: ACMG Guidelines, 2015. Collection method: clinical testing. Allele origin: germline.
Comment: The CDH23 c.2128A>G variant is predicted to result in the amino acid substitution p.Ile710Val. To our knowledge, this variant has not been reported in the literature. This variant is reported in 0.10% of alleles in individuals of African descent in gnomAD, which may be too frequent to be a primary cause of disease. Although we suspect that this variant may be benign, at this time, the clinical significance of this variant is uncertain due to the absence of conclusive functional and genetic evidence.

Labcorp Genetics (formerly Invitae), Labcorp
Classification: Likely benign. Last evaluated: 2025-12-19. Review status: criteria provided, single submitter. Criteria: Invitae Variant Classification Sherloc (09022015). Collection method: clinical testing. Allele origin: germline.

GeneDx
Classification: Uncertain significance. Last evaluated: 2025-12-09. Review status: criteria provided, single submitter. Criteria: GeneDx Variant Classification Process June 2021. Collection method: clinical testing. Allele origin: germline. Affected: yes.
Comment: In silico analysis suggests that this missense variant does not alter protein structure/function; Has not been previously published as pathogenic or benign to our knowledge

Ambry Genetics
Classification: Uncertain significance for Inborn genetic diseases. Last evaluated: 2021-10-26. Review status: criteria provided, single submitter. Criteria: Ambry Variant Classification Scheme 2023. Collection method: clinical testing. Allele origin: germline.

ARUP Laboratories, Molecular Genetics and Genomics, ARUP Laboratories
Classification: Uncertain significance. Last evaluated: 2019-09-12. Review status: criteria provided, single submitter. Criteria: ARUP Molecular Germline Variant Investigation Process. Collection method: clinical testing. Allele origin: germline.
Comment: The CDH23 c.2128A>G; p.Ile710Val variant (rs367750869), to our knowledge, is not reported in the medical literature or gene specific databases. This variant is found in the African population with an allele frequency of 0.10% (24/23314 alleles) in the Genome Aggregation Database. The isoleucine at codon 710 is highly conserved, and computational analyses (SIFT: tolerated, PolyPhen-2: damaging) predict conflicting effects of this variant on protein structure/function. Due to limited information, the clinical significance of the p.Ile710Val variant is uncertain at this time.

Natera, Inc.
Classification: Uncertain significance for Usher syndrome type 1. Last evaluated: 2020-04-24. Review status: no assertion criteria provided. Collection method: clinical testing. Allele origin: germline. Not counted in ClinVar's aggregate classification.